The following is an entry in ClinVar:

ClinVar aggregate classification (germline): Uncertain significance (1 of 4 stars; one submission).

Conditions:
Alpha-methylacyl-CoA racemase deficiency (AMACRD). Also called: AMACR deficiency. Identifiers: Orphanet 79095, MedGen C3280428, MONDO:0013681, OMIM 614307. Disease mechanism: loss of function.

Allele frequency attached by ClinVar (database versions not stated): gnomAD exomes below 0.00001; gnomAD 0.00001; TOPMed 0.00001.
gnomAD v4.1: 2 of 1,598,130 alleles (0.00013%); highest among the groups gnomAD compares: African/African-American, 0.0027%; no homozygotes.

Submission:

Labcorp Genetics (formerly Invitae), Labcorp
Classification: Uncertain significance for Alpha-methylacyl-CoA racemase deficiency. Last evaluated: 2021-10-15. Review status: criteria provided, single submitter. Criteria: Invitae Variant Classification Sherloc (09022015). Collection method: clinical testing. Allele origin: germline.
Comment: This variant has not been reported in the literature in individuals affected with AMACR-related conditions. In summary, the available evidence is currently insufficient to determine the role of this variant in disease. Therefore, it has been classified as a Variant of Uncertain Significance. Algorithms developed to predict the effect of missense changes on protein structure and function are either unavailable or do not agree on the potential impact of this missense change (SIFT: "Deleterious"; PolyPhen-2: "Possibly Damaging"; Align-GVGD: "Class C0"). This variant is not present in population databases (ExAC no frequency). This sequence change replaces leucine with tryptophan at codon 46 of the AMACR protein (p.Leu46Trp). The leucine residue is moderately conserved and there is a small physicochemical difference between leucine and tryptophan.

NM_014324.6(AMACR):c.137T>G (p.Leu46Trp)

Genes: C1QTNF3-AMACR (C1QTNF3-AMACR readthrough (NMD candidate); minus strand), AMACR (alpha-methylacyl-CoA racemase; minus strand). Cytogenetic location: 5p13.2.
Variant type: single nucleotide variant.
Coding change: c.137T>G on transcript NM_014324.6 (MANE Select); coding-DNA position 137, T replaced by G.
Protein change: p.Leu46Trp; replaces leucine 46 with tryptophan.
Molecular consequence: missense variant.
Genome position (GRCh38, 1-based): chr5:34,007,883, A>C on the plus strand (T>G on the coding strand, the complement: AMACR is on the minus strand). VCF-style: chr5-34007883-A-C. GRCh37 (hg19) VCF-style: chr5-34007988-A-C.
Other names: c.137T>G, p.Leu46Trp (NM_001167595.2, NM_203382.3); short protein forms L46W.
Identifiers: ClinVar variation 1378510 (VCV001378510.4), dbSNP rs1396372839, ClinGen allele CA359385260.